The following is an entry in ClinVar:

ClinVar aggregate classification (germline): Uncertain significance. Review status: criteria provided, multiple submitters, no conflicts (2 of 4 stars). 2 submissions from 2 submitters: Uncertain significance (2). Last evaluated 2025-11-01.

Conditions:
Severe combined immunodeficiency due to IKK2 deficiency. Also called: IMMUNODEFICIENCY 15B; Immunodeficiency 15. Identifiers: Orphanet 397787, MedGen C4747743, MONDO:0014267, OMIM 615592.

Submissions (2):

CeGaT Center for Human Genetics Tuebingen
Classification: Uncertain significance. Last evaluated: 2025-11-01. Review status: criteria provided, single submitter. Criteria: CeGaT Center For Human Genetics Tuebingen Variant Classification Criteria Version 2. Collection method: clinical testing. Allele origin: germline. Affected: yes. Observed: 1 variant allele.
Comment: IKBKB: PM2

Labcorp Genetics (formerly Invitae), Labcorp
Classification: Uncertain significance for Severe combined immunodeficiency due to IKK2 deficiency. Last evaluated: 2021-03-30. Review status: criteria provided, single submitter. Criteria: Invitae Variant Classification Sherloc (09022015). Collection method: clinical testing. Allele origin: germline.
Comment: This sequence change replaces aspartic acid with histidine at codon 248 of the IKBKB protein (p.Asp248His). The aspartic acid residue is highly conserved and there is a moderate physicochemical difference between aspartic acid and histidine. In summary, the available evidence is currently insufficient to determine the role of this variant in disease. Therefore, it has been classified as a Variant of Uncertain Significance. Advanced modeling of protein sequence and biophysical properties (such as structural, functional, and spatial information, amino acid conservation, physicochemical variation, residue mobility, and thermodynamic stability) performed at Invitae indicates that this missense variant is not expected to disrupt IKBKB protein function. This variant has not been reported in the literature in individuals with IKBKB-related conditions. This variant is not present in population databases (ExAC no frequency).

NM_001556.3(IKBKB):c.742G>C (p.Asp248His)

Gene: IKBKB (inhibitor of nuclear factor kappa B kinase subunit beta; plus strand). Cytogenetic location: 8p11.21.
Variant type: single nucleotide variant.
Coding change: c.742G>C on transcript NM_001556.3 (MANE Select); coding-DNA position 742, G replaced by C.
Protein change: p.Asp248His; replaces aspartic acid 248 with histidine.
Molecular consequence: missense variant. On other transcripts: non-coding transcript variant (3).
Genome position (GRCh38, 1-based): chr8:42,314,371, G>C. VCF-style: chr8-42314371-G-C. GRCh37 (hg19) VCF-style: chr8-42171889-G-C.
Other names: c.550G>C, p.Asp184His (NM_001190720.3); c.565G>C, p.Asp189His (NM_001242778.2); short protein forms D189H, D248H, D184H.
Identifiers: ClinVar variation 1350902 (VCV001350902.14), dbSNP rs2130616545, ClinGen allele CA371083141.